The following is an entry in ClinVar:

NM_014391.3(ANKRD1):c.851C>G (p.Ala284Gly)

Gene: ANKRD1 (ankyrin repeat domain 1; minus strand). Cytogenetic location: 10q23.31.
Variant type: single nucleotide variant.
Coding change: c.851C>G on transcript NM_014391.3 (MANE Select); coding-DNA position 851, C replaced by G.
Protein change: p.Ala284Gly; replaces alanine 284 with glycine.
Molecular consequence: missense variant.
Genome position (GRCh38, 1-based): chr10:90,912,975, G>C on the plus strand (C>G on the coding strand, the complement: ANKRD1 is on the minus strand). VCF-style: chr10-90912975-G-C. GRCh37 (hg19) VCF-style: chr10-92672732-G-C.
Other names: short protein forms A284G.
Identifiers: ClinVar variation 859878 (VCV000859878.11), dbSNP rs370857813, ClinGen allele CA5598580.

ClinVar aggregate classification (germline): Conflicting classifications of pathogenicity. Review status: criteria provided, conflicting classifications (1 of 4 stars). 2 submissions from 2 submitters: Uncertain significance (1); Likely benign (1). Last evaluated 2025-07-03.

Conditions:
Cardiovascular phenotype. Identifiers: MedGen CN230736.
ANKRD1-related dilated cardiomyopathy. Identifiers: MedGen CN119551.

Allele frequency attached by ClinVar (database versions not stated): gnomAD exomes below 0.00001 and 0.00001; ESP Exome Variant Server 0.00008; ExAC 0.00001; gnomAD 0.00001; TOPMed 0.00002.
gnomAD v4.1: 6 of 1,613,774 alleles (0.00037%); highest among the groups gnomAD compares: African/African-American, 0.008%; no homozygotes.

Submissions (2):

Labcorp Genetics (formerly Invitae), Labcorp
Classification: Uncertain significance for ANKRD1-related dilated cardiomyopathy. Last evaluated: 2025-07-03. Review status: criteria provided, single submitter. Criteria: Invitae Variant Classification Sherloc (09022015). Collection method: clinical testing. Allele origin: germline.
Comment: This sequence change replaces alanine, which is neutral and non-polar, with glycine, which is neutral and non-polar, at codon 284 of the ANKRD1 protein (p.Ala284Gly). This variant is present in population databases (rs370857813, gnomAD 0.01%). This variant has not been reported in the literature in individuals affected with ANKRD1-related conditions. ClinVar contains an entry for this variant (Variation ID: 859878). An algorithm developed to predict the effect of missense changes on protein structure and function (PolyPhen-2) suggests that this variant is likely to be tolerated. In summary, the available evidence is currently insufficient to determine the role of this variant in disease. Therefore, it has been classified as a Variant of Uncertain Significance.

Ambry Genetics
Classification: Likely benign for Cardiovascular phenotype. Last evaluated: 2024-12-31. Review status: criteria provided, single submitter. Criteria: Ambry Variant Classification Scheme 2023. Collection method: clinical testing. Allele origin: germline.